The following is an entry in ClinVar:

ClinVar aggregate classification (germline): Uncertain significance (1 of 4 stars; one submission).

Conditions:
Familial cancer of breast. Also called: Hereditary breast cancer; BREAST CANCER, FAMILIAL; hereditary breast carcinoma. Identifiers: Orphanet 227535, MedGen C0346153, MONDO:0016419, OMIM 114480. Disease mechanism: loss of function.

Submission:

Labcorp Genetics (formerly Invitae), Labcorp
Classification: Uncertain significance for Familial cancer of breast. Last evaluated: 2024-11-29. Review status: criteria provided, single submitter. Criteria: Invitae Variant Classification Sherloc (09022015). Collection method: clinical testing. Allele origin: germline.
Comment: This variant, c.1517_1519delinsCCA, is a complex sequence change that results in the deletion of 2 and insertion of 2 amino acid(s) in the BARD1 protein (p.His506_Val507delinsProMet). Information on the frequency of this variant in the gnomAD database is not available, as this variant may be reported differently in the database. This variant has not been reported in the literature in individuals affected with BARD1-related conditions. Experimental studies and prediction algorithms are not available or were not evaluated, and the functional significance of this variant is currently unknown. In summary, the available evidence is currently insufficient to determine the role of this variant in disease. Therefore, it has been classified as a Variant of Uncertain Significance.

NM_000465.4(BARD1):c.1517_1519delinsCCA (p.His506_Val507delinsProMet)

Gene: BARD1 (BRCA1 associated RING domain 1; minus strand). Cytogenetic location: 2q35.
Variant type: Indel.
Coding change: c.1517_1519delinsCCA on transcript NM_000465.4 (MANE Select); coding-DNA positions 1517 to 1519, ATG replaced by CCA.
Protein change: p.His506_Val507delinsProMet.
Molecular consequence: missense variant. On other transcripts: non-coding transcript variant (3), intron variant (3).
Genome position (GRCh38, 1-based): chr2:214,767,531-214,767,533, CAT replaced by TGG on the plus strand (ATG replaced by CCA on the coding strand, the reverse complement: BARD1 is on the minus strand). VCF-style: chr2-214767531-CAT-TGG. GRCh37 (hg19) VCF-style: chr2-215632255-CAT-TGG.
Other names: c.1460_1462delinsCCA, p.His487_Val488delinsProMet (NM_001282543.2); c.159-14978_159-14976delinsCCA (NM_001282548.2); c.216-14978_216-14976delinsCCA (NM_001282545.2); c.364+24764_364+24766delinsCCA (NM_001282549.2).
Identifiers: ClinVar variation 3725817 (VCV003725817.2).